The following is an entry in ClinVar:

ClinVar aggregate classification (germline): Likely benign (1 of 4 stars; one submission).

Allele frequency attached by ClinVar (database versions not stated): TOPMed 0.00061; ESP Exome Variant Server 0.00077; 1000 Genomes Project 30x 0.00078; 1000 Genomes Project 0.00080; gnomAD exomes 0.00148; ExAC 0.00271; gnomAD 0.00278.
gnomAD v4.1: 2,582 of 1,610,512 alleles (0.16%); highest among the groups gnomAD compares: Non-Finnish European, 0.089%; 11 homozygotes.

Submission:

CeGaT Center for Human Genetics Tuebingen
Classification: Likely benign. Last evaluated: 2023-10-01. Review status: criteria provided, single submitter. Criteria: CeGaT Center For Human Genetics Tuebingen Variant Classification Criteria Version 2. Collection method: clinical testing. Allele origin: germline. Affected: yes. Observed: 1 variant allele.
Comment: C14orf93: BP4, BS2

NM_021944.4(C14orf93):c.533A>T (p.Gln178Leu)

Gene: C14orf93 (chromosome 14 open reading frame 93; minus strand). Cytogenetic location: 14q11.2.
Variant type: single nucleotide variant.
Coding change: c.533A>T on transcript NM_021944.4 (MANE Select); coding-DNA position 533, A replaced by T.
Protein change: p.Gln178Leu; replaces glutamine 178 with leucine.
Molecular consequence: missense variant. On other transcripts: 5 prime UTR variant (2).
Genome position (GRCh38, 1-based): chr14:22,998,491, T>A on the plus strand (A>T on the coding strand, the complement: C14orf93 is on the minus strand). VCF-style: chr14-22998491-T-A. GRCh37 (hg19) VCF-style: chr14-23467700-T-A.
Other names: c.533A>T, p.Gln178Leu (NM_001130706.3, NM_001130708.3, NM_001282970.2); c.-8A>T (NM_001282968.2, NM_001282969.1); short protein forms Q178L.
Identifiers: ClinVar variation 2644084 (VCV002644084.24), dbSNP rs137867108, ClinGen allele CA7108484.
Genomic context (GRCh38, chr14:22,998,491, plus strand): 5'-TTGAGCAGGGGGGCCGCCTCGCTGGCAGCCAGCGTGCACCCTGGGAGCCGCATGTCCCTC[T>A]GAGTTGCTGGGAAGCCCAAAGGCCCAGGCCCCACTGAGGCTGCTCCCAGCTGCCGCAGCT-3'
Protein context (NP_068763.2, residues 168-188): GPGPLGFPAT[Gln178Leu]RDMRLPGCTL